The following is an entry in ClinVar:

NM_015346.4(ZFYVE26):c.5622-2A>G

Gene: ZFYVE26 (zinc finger FYVE-type containing 26; minus strand). Cytogenetic location: 14q24.1.
Variant type: single nucleotide variant.
Coding change: c.5622-2A>G on transcript NM_015346.4 (MANE Select); the canonical splice acceptor site of the intron before coding-DNA position 5622, A replaced by G.
Molecular consequence: splice acceptor variant.
Genome position (GRCh38, 1-based): chr14:67,768,550, T>C on the plus strand (A>G on the coding strand, the complement: ZFYVE26 is on the minus strand). VCF-style: chr14-67768550-T-C. GRCh37 (hg19) VCF-style: chr14-68235267-T-C.
Identifiers: ClinVar variation 1067994 (VCV001067994.7), dbSNP rs1272228031, ClinGen allele CA390166881.

ClinVar aggregate classification (germline): Likely pathogenic (1 of 4 stars; one submission).

Conditions:
Spastic paraplegia. Identifiers: MedGen C0037772, HP:0001258.

Allele frequency attached by ClinVar (database versions not stated): gnomAD exomes below 0.00001; gnomAD 0.00001.
gnomAD v4.1: 2 of 1,613,958 alleles (0.00012%); highest among the groups gnomAD compares: Non-Finnish European, 0.00017%; no homozygotes.

Submission:

Labcorp Genetics (formerly Invitae), Labcorp
Classification: Likely pathogenic for Spastic paraplegia. Last evaluated: 2020-07-02. Review status: criteria provided, single submitter. Criteria: Invitae Variant Classification Sherloc (09022015). Collection method: clinical testing. Allele origin: germline.
Comment: In summary, the currently available evidence indicates that the variant is pathogenic, but additional data are needed to prove that conclusively. Therefore, this variant has been classified as Likely Pathogenic. Donor and acceptor splice site variants typically lead to a loss of protein function (PMID: 16199547), and loss-of-function variants in ZFYVE26 are known to be pathogenic (PMID: 18394578, 19805727). This sequence change affects an acceptor splice site in intron 29 of the ZFYVE26 gene. It is expected to disrupt RNA splicing and likely results in an absent or disrupted protein product. This variant is not present in population databases (ExAC no frequency). This variant has not been reported in the literature in individuals with ZFYVE26-related conditions. Algorithms developed to predict the effect of sequence changes on RNA splicing suggest that this variant may disrupt the consensus splice site, but this prediction has not been confirmed by published transcriptional studies.

Literature cited by the submitters: PubMed 16199547; PubMed 18394578; PubMed 19805727.